The following is an entry in ClinVar:

ClinVar aggregate classification (germline): Likely benign. Review status: criteria provided, multiple submitters, no conflicts (2 of 4 stars). 2 submissions from 2 submitters: Likely benign (2). Last evaluated 2024-01-22.

Allele frequency attached by ClinVar (database versions not stated): gnomAD 0.00001; gnomAD exomes 0.00001 and 0.00003; TOPMed 0.00001.
gnomAD v4.1: 41 of 1,610,856 alleles (0.0025%); highest among the groups gnomAD compares: Non-Finnish European, 0.0033%; no homozygotes.

Submissions (2):

Labcorp Genetics (formerly Invitae), Labcorp
Classification: Likely benign. Last evaluated: 2024-01-22. Review status: criteria provided, single submitter. Criteria: Invitae Variant Classification Sherloc (09022015). Collection method: clinical testing. Allele origin: germline.

GeneDx
Classification: Likely benign. Last evaluated: 2016-05-26. Review status: criteria provided, single submitter. Criteria: GeneDx Variant Classification (06012015). Collection method: clinical testing. Allele origin: germline. Affected: yes.
Comment: This variant is considered likely benign or benign based on one or more of the following criteria: it is a conservative change, it occurs at a poorly conserved position in the protein, it is predicted to be benign by multiple in silico algorithms, and/or has population frequency not consistent with disease.

NM_020745.4(AARS2):c.132C>T (p.Ala44=)

Gene: AARS2 (alanyl-tRNA synthetase 2, mitochondrial; minus strand). Cytogenetic location: 6p21.1.
Variant type: single nucleotide variant.
Coding change: c.132C>T on transcript NM_020745.4 (MANE Select); coding-DNA position 132, C replaced by T.
Protein change: p.Ala44=; no amino-acid change (alanine 44 retained).
Molecular consequence: synonymous variant.
Genome position (GRCh38, 1-based): chr6:44,313,192, G>A on the plus strand (C>T on the coding strand, the complement: AARS2 is on the minus strand). VCF-style: chr6-44313192-G-A. GRCh37 (hg19) VCF-style: chr6-44280929-G-A.
Identifiers: ClinVar variation 386053 (VCV000386053.7), dbSNP rs756852994, ClinGen allele CA16605050.